The following is an entry in ClinVar:

NM_015425.6(POLR1A):c.3017C>T (p.Thr1006Met)

Gene: POLR1A (RNA polymerase I subunit A; minus strand). Cytogenetic location: 2p11.2.
Variant type: single nucleotide variant.
Coding change: c.3017C>T on transcript NM_015425.6 (MANE Select); coding-DNA position 3017, C replaced by T.
Protein change: p.Thr1006Met; replaces threonine 1006 with methionine.
Molecular consequence: missense variant.
Genome position (GRCh38, 1-based): chr2:86,044,257, G>A on the plus strand (C>T on the coding strand, the complement: POLR1A is on the minus strand). VCF-style: chr2-86044257-G-A. GRCh37 (hg19) VCF-style: chr2-86271380-G-A.
Other names: short protein forms T1006M.
Identifiers: ClinVar variation 4766974 (VCV004766974.1).

ClinVar aggregate classification (germline): Uncertain significance (1 of 4 stars; one submission).

gnomAD v4.1: 8 of 1,614,120 alleles (0.0005%); highest among the groups gnomAD compares: Admixed American, 0.0017%; no homozygotes.

Submission:

Labcorp Genetics (formerly Invitae), Labcorp
Classification: Uncertain significance. Last evaluated: 2025-09-10. Review status: criteria provided, single submitter. Criteria: Invitae Variant Classification Sherloc (09022015). Collection method: clinical testing. Allele origin: germline.
Comment: This sequence change replaces threonine, which is neutral and polar, with methionine, which is neutral and non-polar, at codon 1006 of the POLR1A protein (p.Thr1006Met). This variant is not present in population databases (gnomAD no frequency). This variant has not been reported in the literature in individuals affected with POLR1A-related conditions. Invitae Evidence Modeling of protein sequence and biophysical properties (such as structural, functional, and spatial information, amino acid conservation, physicochemical variation, residue mobility, and thermodynamic stability) indicates that this missense variant is expected to disrupt POLR1A protein function with a positive predictive value of 80%. In summary, the available evidence is currently insufficient to determine the role of this variant in disease. Therefore, it has been classified as a Variant of Uncertain Significance.